The following is an entry in ClinVar:

NM_024529.5(CDC73):c.424-16C>T

Gene: CDC73 (cell division cycle 73; plus strand). Cytogenetic location: 1q31.2.
Variant type: single nucleotide variant.
Coding change: c.424-16C>T on transcript NM_024529.5 (MANE Select); 16 bases into the intron before coding-DNA position 424, C replaced by T.
Molecular consequence: intron variant.
Genome position (GRCh38, 1-based): chr1:193,138,069, C>T. VCF-style: chr1-193138069-C-T. GRCh37 (hg19) VCF-style: chr1-193107199-C-T.
Identifiers: ClinVar variation 506479 (VCV000506479.10), dbSNP rs201012067, ClinGen allele CA1303391.

ClinVar aggregate classification (germline): Benign/Likely benign. Review status: criteria provided, multiple submitters, no conflicts (2 of 4 stars). 3 submissions from 3 submitters: Benign (1); Likely benign (2). Last evaluated 2026-01-31.

Conditions:
Parathyroid carcinoma (PRTC). Also called: Parathyroid gland carcinoma; CDC73-Related Parathyroid Carcinoma. Identifiers: Orphanet 143, MedGen C0687150, MONDO:0012004, OMIM 608266, HP:0006780.

Allele frequency attached by ClinVar (database versions not stated): ESP Exome Variant Server 0.00008; gnomAD exomes 0.00016 and 0.00020; TOPMed 0.00017; ExAC 0.00019; gnomAD 0.00019 and 0.00020; 1000 Genomes Project 0.00020; 1000 Genomes Project 30x 0.00031.
gnomAD v4.1: 269 of 1,588,040 alleles (0.017%); highest among the groups gnomAD compares: Middle Eastern, 0.017%; 1 homozygote.

Submissions (3):

Labcorp Genetics (formerly Invitae), Labcorp
Classification: Benign for Parathyroid carcinoma. Last evaluated: 2026-01-31. Review status: criteria provided, single submitter. Criteria: Invitae Variant Classification Sherloc (09022015). Collection method: clinical testing. Allele origin: germline.

Blueprint Genetics
Classification: Likely benign. Last evaluated: 2024-10-14. Review status: criteria provided, single submitter. Criteria: ACMG Guidelines, 2015. Collection method: clinical testing. Allele origin: germline.

GeneDx
Classification: Likely benign. Last evaluated: 2017-04-11. Review status: criteria provided, single submitter. Criteria: GeneDx Variant Classification (06012015). Collection method: clinical testing. Allele origin: germline. Affected: yes.
Comment: This variant is considered likely benign or benign based on one or more of the following criteria: it is a conservative change, it occurs at a poorly conserved position in the protein, it is predicted to be benign by multiple in silico algorithms, and/or has population frequency not consistent with disease.